The following is an entry in ClinVar:

ClinVar aggregate classification (germline): Benign. Review status: criteria provided, multiple submitters, no conflicts (2 of 4 stars). 15 submissions from 15 submitters: Benign (12). 3 of the submissions do not count toward it. Last evaluated 2026-02-04.

Conditions:
Noonan syndrome and Noonan-related syndrome. Identifiers: Orphanet 98733, MedGen C5681679, MONDO:0020297.
Cardiovascular phenotype. Identifiers: MedGen CN230736.
CBL-related disorder. Also called: NOONAN SYNDROME-LIKE DISORDER WITHOUT JUVENILE MYELOMONOCYTIC LEUKEMIA; CBL MUTATION-ASSOCIATED SYNDROME; CBL SYNDROME. Identifiers: Orphanet 363972, MedGen C3150803, MONDO:0013308, OMIM 613563.
RASopathy. Also called: Noonan spectrum disorder; rasopathies. Identifiers: Orphanet 536391, MedGen C5555857, MONDO:0021060.
Juvenile myelomonocytic leukemia (JMML). Also called: LEUKEMIA, JUVENILE MYELOMONOCYTIC, SOMATIC. Identifiers: Orphanet 86834, MedGen C0349639, MONDO:0011908, OMIM 607785, HP:0012209.

Allele frequency attached by ClinVar (database versions not stated): TOPMed 0.03663; gnomAD exomes 0.00312 and 0.00787; ExAC 0.01002; gnomAD 0.03135 and 0.03391; 1000 Genomes Project 0.03435; 1000 Genomes Project 30x 0.03482; ESP Exome Variant Server 0.03688.
gnomAD v4.1: 9,579 of 1,614,182 alleles (0.59%); highest among the groups gnomAD compares: African/African-American, 11%; 529 homozygotes.

Submissions (15):

Labcorp Genetics (formerly Invitae), Labcorp
Classification: Benign for RASopathy. Last evaluated: 2026-02-04. Review status: criteria provided, single submitter. Criteria: Invitae Variant Classification Sherloc (09022015). Collection method: clinical testing. Allele origin: germline.

ARUP Laboratories, Molecular Genetics and Genomics, ARUP Laboratories
Classification: Benign. Last evaluated: 2024-08-26. Review status: criteria provided, single submitter. Criteria: ARUP Molecular Germline Variant Investigation Process 2024. Collection method: clinical testing. Allele origin: germline.

KCCC/NGS Laboratory, Kuwait Cancer Control Center
Classification: Benign for Juvenile myelomonocytic leukemia. Last evaluated: 2023-07-07. Review status: criteria provided, single submitter. Criteria: ACMG Guidelines, 2015. Collection method: clinical testing. Allele origin: germline. Affected: yes.

Genome Diagnostics Laboratory, The Hospital for Sick Children
Classification: Benign for Noonan syndrome and Noonan-related syndrome. Last evaluated: 2021-06-18. Review status: criteria provided, single submitter. Criteria: ACMG Guidelines, 2015. Collection method: clinical testing. Allele origin: germline.

Women's Health and Genetics/Laboratory Corporation of America, LabCorp
Classification: Benign. Last evaluated: 2019-08-12. Review status: criteria provided, single submitter. Criteria: LabCorp Variant Classification Summary - May 2015. Collection method: clinical testing. Allele origin: germline.

Ambry Genetics
Classification: Benign for Cardiovascular phenotype. Last evaluated: 2018-12-04. Review status: criteria provided, single submitter. Criteria: Ambry Variant Classification Scheme 2023. Collection method: clinical testing. Allele origin: germline.

Illumina Laboratory Services, Illumina
Classification: Benign for CBL-related disorder. Last evaluated: 2018-01-12. Review status: criteria provided, single submitter. Criteria: ICSL Variant Classification Criteria 13 December 2019. Collection method: clinical testing. Allele origin: germline.
Comment: This variant was observed in the ICSL laboratory as part of a predisposition screen in an ostensibly healthy population. It had not been previously curated by ICSL or reported in the Human Gene Mutation Database (HGMD: prior to June 1st, 2018), and was therefore a candidate for classification through an automated scoring system. Utilizing variant allele frequency, disease prevalence and penetrance estimates, and inheritance mode, an automated score was calculated to assess if this variant is too frequent to cause the disease. Based on the score and internal cut-off values, a variant classified as benign is not then subjected to further curation. The score for this variant resulted in a classification of benign for this disease.

Mayo Clinic Laboratories, Mayo Clinic
Classification: Benign. Last evaluated: 2015-10-30. Review status: criteria provided, single submitter. Criteria: ACMG Guidelines, 2015. Collection method: clinical testing. Allele origin: germline. Observed: 18 variant alleles.

Laboratory for Molecular Medicine, Mass General Brigham Personalized Medicine
Classification: Benign. Last evaluated: 2012-03-19. Review status: criteria provided, single submitter. Criteria: LMM Criteria. Collection method: clinical testing. Allele origin: germline. Observed: 28 variant alleles.
Comment: p.Leu864Leu in Exon 16 of CBL: This variant is not expected to have clinical sig nificance because it does not alter an amino acid residue, is not located within the splice consensus sequence and has been identified in 10.6% (398/3738) of Af rican American chromosomes from a broad population by the NHLBI Exome Sequencing Project (dbSNP rs1893177).

GeneDx
Classification: Benign. Last evaluated: 2012-02-10. Review status: criteria provided, single submitter. Criteria: GeneDx Variant Classification (06012015). Collection method: clinical testing. Allele origin: germline. Affected: yes.
Comment: This variant is considered likely benign or benign based on one or more of the following criteria: it is a conservative change, it occurs at a poorly conserved position in the protein, it is predicted to be benign by multiple in silico algorithms, and/or has population frequency not consistent with disease.

Breakthrough Genomics
Classification: Benign. Review status: criteria provided, single submitter. Criteria: ACMG Guidelines, 2015. Collection method: not provided. Allele origin: germline. Inheritance: Autosomal dominant inheritance. Affected: yes.

PreventionGenetics, part of Exact Sciences
Classification: Benign. Review status: criteria provided, single submitter. Criteria: ACMG Guidelines, 2015. Collection method: clinical testing. Allele origin: germline.

Clinical Genetics, Academic Medical Center
Classification: Benign. Review status: no assertion criteria provided. Collection method: clinical testing. Allele origin: germline. Affected: yes. Study: VKGL Data-share Consensus. Not counted in ClinVar's aggregate classification.

Genome Diagnostics Laboratory, Amsterdam University Medical Center
Classification: Benign. Review status: no assertion criteria provided. Collection method: clinical testing. Allele origin: germline. Affected: yes. Study: VKGL Data-share Consensus. Not counted in ClinVar's aggregate classification.

Laboratory of Diagnostic Genome Analysis, Leiden University Medical Center (LUMC)
Classification: Benign. Review status: no assertion criteria provided. Collection method: clinical testing. Allele origin: germline. Affected: yes. Study: VKGL Data-share Consensus. Not counted in ClinVar's aggregate classification.

Literature cited by the submitters: PubMed 25224413 (cited by Women's Health and Genetics/Laboratory Corporation of America, LabCorp); PubMed 21828135 (cited by Women's Health and Genetics/Laboratory Corporation of America, LabCorp); PubMed 23690417 (cited by Women's Health and Genetics/Laboratory Corporation of America, LabCorp); PubMed 19387008 (cited by Women's Health and Genetics/Laboratory Corporation of America, LabCorp); PubMed 19901108 (cited by Women's Health and Genetics/Laboratory Corporation of America, LabCorp); PubMed 20951944 (cited by Women's Health and Genetics/Laboratory Corporation of America, LabCorp); PubMed 19620960 (cited by Women's Health and Genetics/Laboratory Corporation of America, LabCorp); PubMed 22733026 (cited by Women's Health and Genetics/Laboratory Corporation of America, LabCorp); PubMed 29296819 (cited by Women's Health and Genetics/Laboratory Corporation of America, LabCorp); PubMed 27069254 (cited by Women's Health and Genetics/Laboratory Corporation of America, LabCorp).

NM_005188.4(CBL):c.2592C>T (p.Leu864=)

Gene: CBL (Cbl proto-oncogene; plus strand). Cytogenetic location: 11q23.3.
Variant type: single nucleotide variant.
Coding change: c.2592C>T on transcript NM_005188.4 (MANE Select); coding-DNA position 2592, C replaced by T.
Protein change: p.Leu864=; no amino-acid change (leucine 864 retained).
Molecular consequence: synonymous variant.
Genome position (GRCh38, 1-based): chr11:119,299,652, C>T. VCF-style: chr11-119299652-C-T. GRCh37 (hg19) VCF-style: chr11-119170362-C-T.
Other names: p.L864L:CTC>CTT; p.Leu864=.
Identifiers: ClinVar variation 45208 (VCV000045208.33), dbSNP rs1893177, ClinGen allele CA135737.